The following is an entry in ClinVar:

ClinVar aggregate classification (germline): Pathogenic (1 of 4 stars; one submission).

Conditions:
Autosomal recessive nonsyndromic hearing loss 84B. Also called: Deafness, autosomal recessive 84b. Identifiers: Orphanet 90636, MedGen C3554159, MONDO:0013984, OMIM 614944.

Submission:

Juno Genomics, Hangzhou Juno Genomics, Inc
Classification: Pathogenic for Autosomal recessive nonsyndromic hearing loss 84B. Review status: criteria provided, single submitter. Criteria: ACMG Guidelines, 2015. Collection method: clinical testing. Allele origin: germline. Affected: yes.
Comment: Null variant in a gene where loss of function (LOF) is a known mechanism of disease.;Absent from controls (or at extremely low frequency if recessive) in Genome Aggregation Database, Exome Sequencing Project, 1000 Genomes Project, or Exome Aggregation Consortium.;For recessive disorders, detected in trans with a pathogenic variant.;Co-segregation with disease in multiple affected family members in a gene definitively known to cause the disease.;Patient's phenotype or family history is highly specific for a disease with a single genetic etiology.

NM_001378609.3(OTOGL):c.6501dup (p.Cys2168fs)

Gene: OTOGL (otogelin like; plus strand). Cytogenetic location: 12q21.31.
Variant type: Duplication.
Coding change: c.6501dup on transcript NM_001378609.3 (MANE Select); coding-DNA position 6501, one base duplicated (A; older notation c.6501dupA).
Protein change: p.Cys2168fs; shifts the reading frame from cysteine 2168.
Molecular consequence: frameshift variant.
Genome position (GRCh38, 1-based): chr12:80,367,730, A duplicated; the last of 7 consecutive A bases (chr12:80,367,724-80,367,730); duplicating any one gives the same sequence. VCF-style (leftmost placement, unchanged base first): chr12-80367723-C-CA. GRCh37 (hg19) VCF-style: chr12-80761503-C-CA.
Other names: c.6366dup, p.Cys2123fs (NM_001368062.3); c.6501dup, p.Cys2168fs (NM_001378610.3, NM_173591.7); short protein forms C2123fs, C2168fs.
Identifiers: ClinVar variation 3383056 (VCV003383056.2).